The following is an entry in ClinVar:

NM_001110556.2(FLNA):c.3086G>A (p.Ser1029Asn)

Gene: FLNA (filamin A; minus strand). Cytogenetic location: Xq28.
Variant type: single nucleotide variant.
Coding change: c.3086G>A on transcript NM_001110556.2 (MANE Select); coding-DNA position 3086, G replaced by A.
Protein change: p.Ser1029Asn; replaces serine 1029 with asparagine.
Molecular consequence: missense variant.
Genome position (GRCh38, 1-based): chrX:154,361,429, C>T on the plus strand (G>A on the coding strand, the complement: FLNA is on the minus strand). VCF-style: chrX-154361429-C-T. GRCh37 (hg19) VCF-style: chrX-153589797-C-T.
Other names: c.3086G>A (NM_001456.3); c.3086G>A, p.Ser1029Asn (NM_001456.4); short protein forms S1029N.
Identifiers: ClinVar variation 2125264 (VCV002125264.5), dbSNP rs2067710654, ClinGen allele CA415230499.

ClinVar aggregate classification (germline): Conflicting classifications of pathogenicity. Review status: criteria provided, conflicting classifications (1 of 4 stars). 2 submissions from 2 submitters: Uncertain significance (1); Likely benign (1). Last evaluated 2025-08-13.

Conditions:
Melnick-Needles syndrome (MNS). Also called: MELNICK-NEEDLES OSTEODYSPLASTY; OSTEODYSPLASTY OF MELNICK AND NEEDLES; Melnick-Needles Syndrome (FLNA-MNS). Identifiers: Orphanet 2484, MedGen C0025237, MONDO:0010650, OMIM 309350.
Heterotopia, periventricular, X-linked dominant (PVNH1). Also called: PERIVENTRICULAR NODULAR HETEROTOPIA 1; X-linked periventricular heterotopia; PERIVENTRICULAR NODULAR HETEROTOPIA 4; HETEROTOPIA, PERIVENTRICULAR, 1. Identifiers: Orphanet 2149, Orphanet 82004, MedGen C1848213, MONDO:0010233, OMIM 300049.
Frontometaphyseal dysplasia (FMD1). Identifiers: Orphanet 1826, MedGen C0265293, MONDO:0015942.
Oto-palato-digital syndrome, type II (OPD2). Also called: FACIOPALATOOSSEOUS SYNDROME; OPD II SYNDROME; Otopalatodigital Syndrome Type 2 (FLNA-OPD2); Otopalatodigital Syndrome, Type II. Identifiers: Orphanet 669, Orphanet 90652, MedGen C1844696, MONDO:0010571, OMIM 304120.
Familial thoracic aortic aneurysm and aortic dissection (TAAD). Also called: Thoracic aortic aneurysms and dissections. Identifiers: Orphanet 91387, MedGen C4707243, MONDO:0019625.

Allele frequency attached by ClinVar (database versions not stated): gnomAD exomes below 0.00001; gnomAD 0.00001.
gnomAD v4.1: 2 of 1,209,108 alleles (0.00017%); highest among the groups gnomAD compares: Admixed American, 0.0044%; no homozygotes.

Submissions (2):

Ambry Genetics
Classification: Likely benign for Familial thoracic aortic aneurysm and aortic dissection. Last evaluated: 2025-08-13. Review status: criteria provided, single submitter. Criteria: Ambry Variant Classification Scheme 2023. Collection method: clinical testing. Allele origin: germline.

Labcorp Genetics (formerly Invitae), Labcorp
Classification: Uncertain significance for Oto-palato-digital syndrome, type II; Heterotopia, periventricular, X-linked dominant; Frontometaphyseal dysplasia; Melnick-Needles syndrome. Last evaluated: 2022-04-12. Review status: criteria provided, single submitter. Criteria: Invitae Variant Classification Sherloc (09022015). Collection method: clinical testing. Allele origin: germline.
Comment: This sequence change replaces serine, which is neutral and polar, with asparagine, which is neutral and polar, at codon 1029 of the FLNA protein (p.Ser1029Asn). This variant is not present in population databases (gnomAD no frequency). In summary, the available evidence is currently insufficient to determine the role of this variant in disease. Therefore, it has been classified as a Variant of Uncertain Significance. Advanced modeling of protein sequence and biophysical properties (such as structural, functional, and spatial information, amino acid conservation, physicochemical variation, residue mobility, and thermodynamic stability) performed at Invitae indicates that this missense variant is not expected to disrupt FLNA protein function. This variant has not been reported in the literature in individuals affected with FLNA-related conditions.